The following is an entry in ClinVar:

NM_002860.4(ALDH18A1):c.2039A>G (p.Asn680Ser)

Gene: ALDH18A1 (aldehyde dehydrogenase 18 family member A1; minus strand). Cytogenetic location: 10q24.1.
Variant type: single nucleotide variant.
Coding change: c.2039A>G on transcript NM_002860.4 (MANE Select); coding-DNA position 2039, A replaced by G.
Protein change: p.Asn680Ser; replaces asparagine 680 with serine.
Molecular consequence: missense variant.
Genome position (GRCh38, 1-based): chr10:95,611,327, T>C on the plus strand (A>G on the coding strand, the complement: ALDH18A1 is on the minus strand). VCF-style: chr10-95611327-T-C. GRCh37 (hg19) VCF-style: chr10-97371084-T-C.
Other names: c.2033A>G, p.Asn678Ser (NM_001017423.2, NM_001323415.2); c.1706A>G, p.Asn569Ser (NM_001323412.2, NM_001323416.2); c.2039A>G, p.Asn680Ser (NM_001323413.2, NM_001323414.2); c.1934A>G, p.Asn645Ser (NM_001323417.2); c.1700A>G, p.Asn567Ser (NM_001323418.2); c.1403A>G, p.Asn468Ser (NM_001323419.2); short protein forms N468S, N567S, N678S, N680S, N569S, N645S.
Identifiers: ClinVar variation 1418708 (VCV001418708.8), dbSNP rs2139530277, ClinGen allele CA377699940.

ClinVar aggregate classification (germline): Uncertain significance (1 of 4 stars; one submission).

Conditions:
Autosomal dominant spastic paraplegia type 9. Identifiers: MedGen C1832669, MONDO:0015091.
Cutis laxa, autosomal dominant 3 (ADCL3). Identifiers: Orphanet 90348, MedGen C4225268, MONDO:0014706, OMIM 616603.
de Barsy syndrome. Also called: Cutis laxa-corneal clouding-oligophrenia syndrome. Identifiers: Orphanet 2962, MedGen C0268354, MONDO:0017569.

Submission:

Labcorp Genetics (formerly Invitae), Labcorp
Classification: Uncertain significance for Autosomal dominant spastic paraplegia type 9; de Barsy syndrome; Cutis laxa, autosomal dominant 3. Last evaluated: 2022-01-11. Review status: criteria provided, single submitter. Criteria: Invitae Variant Classification Sherloc (09022015). Collection method: clinical testing. Allele origin: germline.
Comment: This variant has not been reported in the literature in individuals affected with ALDH18A1-related conditions. This sequence change replaces asparagine, which is neutral and polar, with serine, which is neutral and polar, at codon 680 of the ALDH18A1 protein (p.Asn680Ser). This variant is not present in population databases (gnomAD no frequency). Algorithms developed to predict the effect of missense changes on protein structure and function output the following: SIFT: "Tolerated"; PolyPhen-2: "Benign"; Align-GVGD: "Class C0". The serine amino acid residue is found in multiple mammalian species, which suggests that this missense change does not adversely affect protein function. In summary, the available evidence is currently insufficient to determine the role of this variant in disease. Therefore, it has been classified as a Variant of Uncertain Significance.